The following is an entry in ClinVar:

NM_000246.4(CIITA):c.3344G>C (p.Ser1115Thr)

Gene: CIITA (class II major histocompatibility complex transactivator; plus strand). Cytogenetic location: 16p13.13.
Variant type: single nucleotide variant.
Coding change: c.3344G>C on transcript NM_000246.4 (MANE Select); coding-DNA position 3344, G replaced by C.
Protein change: p.Ser1115Thr; replaces serine 1115 with threonine.
Molecular consequence: missense variant. On other transcripts: non-coding transcript variant (1).
Genome position (GRCh38, 1-based): chr16:10,923,254, G>C. VCF-style: chr16-10923254-G-C. GRCh37 (hg19) VCF-style: chr16-11017111-G-C.
Other names: c.3347G>C, p.Ser1116Thr (NM_001286402.1, NM_001379332.1); c.1592G>C, p.Ser531Thr (NM_001286403.2); c.3200G>C, p.Ser1067Thr (NM_001379330.1); c.3197G>C, p.Ser1066Thr (NM_001379331.1); c.3344G>C, p.Ser1115Thr (NM_001379333.1); c.3275G>C, p.Ser1092Thr (NM_001379334.1); short protein forms S1066T, S1067T, S1092T, S1115T, S1116T, S531T.
Identifiers: ClinVar variation 4751517 (VCV004751517.1).

ClinVar aggregate classification (germline): Uncertain significance (1 of 4 stars; one submission).

Conditions:
MHC class II deficiency. Also called: BLS, TYPE II; Bare lymphocyte syndrome 2. Identifiers: Orphanet 572, MedGen C5447452, MONDO:0008855.

gnomAD v4.1: 8 of 1,613,612 alleles (0.0005%); highest among the groups gnomAD compares: Non-Finnish European, 0.00068%; no homozygotes.

Submission:

Labcorp Genetics (formerly Invitae), Labcorp
Classification: Uncertain significance for MHC class II deficiency. Last evaluated: 2026-02-01. Review status: criteria provided, single submitter. Criteria: Invitae Variant Classification Sherloc (09022015). Collection method: clinical testing. Allele origin: germline.
Comment: This sequence change replaces serine, which is neutral and polar, with threonine, which is neutral and polar, at codon 1115 of the CIITA protein (p.Ser1115Thr). This variant is present in population databases (no rsID available, gnomAD 0.002%). This variant has not been reported in the literature in individuals affected with CIITA-related conditions. An algorithm developed to predict the effect of missense changes on protein structure and function (PolyPhen-2) suggests that this variant is likely to be tolerated. In summary, the available evidence is currently insufficient to determine the role of this variant in disease. Therefore, it has been classified as a Variant of Uncertain Significance.